The following is an entry in ClinVar:

NM_000049.4(ASPA):c.877_878del (p.Glu293fs)

Genes: ASPA (aspartoacylase; plus strand), SPATA22 (spermatogenesis associated 22; minus strand). Cytogenetic location: 17p13.2.
Variant type: Deletion.
Coding change: c.877_878del on transcript NM_000049.4 (MANE Select); coding-DNA positions 877 to 878, 2 bases deleted (GA; older notation c.877_878delGA).
Protein change: p.Glu293fs; shifts the reading frame from glutamic acid 293.
Molecular consequence: frameshift variant. On other transcripts: intron variant (2).
Genome position (GRCh38, 1-based): chr17:3,499,023-3,499,024, GA deleted; deleting any 2 consecutive bases within chr17:3,499,022-3,499,024 gives the same sequence; the c. name uses the placement nearest the transcript's 3' end. VCF-style (leftmost placement, unchanged base first): chr17-3499021-AAG-A. GRCh37 (hg19) VCF-style: chr17-3402315-AAG-A.
Other names: c.877_878del, p.Glu293fs (NM_001128085.1); c.-74+14389_-74+14390del (NM_001321336.2, NM_001321337.2); short protein forms E293fs.
Identifiers: ClinVar variation 1074172 (VCV001074172.49), dbSNP rs2150764223, ClinGen allele CA2499224263.

ClinVar aggregate classification (germline): Pathogenic/Likely pathogenic. Review status: criteria provided, multiple submitters, no conflicts (2 of 4 stars). 3 submissions from 3 submitters: Pathogenic (2); Likely pathogenic (1). Last evaluated 2026-07-29.

Conditions:
Spongy degeneration of central nervous system. Also called: ACY2 DEFICIENCY; AMINOACYLASE 2 DEFICIENCY; ASP DEFICIENCY; ASPA DEFICIENCY; ASPARTOACYLASE DEFICIENCY; CANAVAN-VAN BOGAERT-BERTRAND DISEASE. Identifiers: Orphanet 141, MedGen C0206307, MONDO:0010079, OMIM 271900.

Submissions (3):

Myriad Genetics, Inc.
Classification: Pathogenic for Spongy degeneration of central nervous system. Last evaluated: 2026-07-29. Review status: criteria provided, single submitter. Criteria: Myriad Autosomal Dominant, Autosomal Recessive and X-Linked Classification Criteria (2023). Collection method: clinical testing. Allele origin: unknown.
Comment: NM_000049.2(ASPA):c.877_878delGA(E293Sfs*7) is a frameshift variant classified as pathogenic in the context of Canavan disease. E293Sfs*7 has not been observed in cases with relevant disease. Relevant functional assessments of this variant are not available in the literature. E293Sfs*7 has not been observed in referenced population frequency databases. In summary, NM_000049.2(ASPA):c.877_878delGA(E293Sfs*7) is a frameshift variant in a gene where loss of function is a known mechanism of disease and is predicted to disrupt protein function. Please note: this variant was assessed in the context of healthy population screening.

Natera, Inc.
Classification: Likely pathogenic for Canavan Disease. Last evaluated: 2024-03-13. Review status: criteria provided, single submitter. Criteria: Natera Variant Classification Schema (03/2026). Collection method: clinical testing. Allele origin: germline.
Comment: The c.877_878delGA variant in ASPA is a frameshift variant predicted to shift the reading frame beginning at codon 293 and leads to a stop codon 7 codons downstream. This variant is expected to result in nonsense mediated decay, truncation, or a dysfunctional protein product. This variant is rare in the general population with a frequency below the threshold expected for the associated phenotype(s). Given the available evidence, this variant is classified as Likely Pathogenic.

Labcorp Genetics (formerly Invitae), Labcorp
Classification: Pathogenic for Spongy degeneration of central nervous system. Last evaluated: 2020-02-26. Review status: criteria provided, single submitter. Criteria: Invitae Variant Classification Sherloc (09022015). Collection method: clinical testing. Allele origin: germline.
Comment: For these reasons, this variant has been classified as Pathogenic. This variant disrupts the C-terminus of the ASPA protein. Other variant(s) that disrupt this region (p.Glu293Leufs*8, p.Ala305Glu) have been determined to be pathogenic (PMID: 8659549, 8023850, 22850825, 10909858, 16217711). This suggests that variants that disrupt this region of the protein are likely to be causative of disease. This variant has not been reported in the literature in individuals with ASPA-related conditions. This variant is not present in population databases (ExAC no frequency). This sequence change results in a premature translational stop signal in the ASPA gene (p.Glu293Serfs*7). While this is not anticipated to result in nonsense mediated decay, it is expected to disrupt the last 21 amino acids of the ASPA protein.

Literature cited by the submitters: PubMed 8659549 (cited by Labcorp Genetics (formerly Invitae), Labcorp); PubMed 8023850 (cited by Labcorp Genetics (formerly Invitae), Labcorp); PubMed 22850825 (cited by Labcorp Genetics (formerly Invitae), Labcorp); PubMed 10909858 (cited by Labcorp Genetics (formerly Invitae), Labcorp); PubMed 16217711 (cited by Labcorp Genetics (formerly Invitae), Labcorp).